The following is an entry in ClinVar:

ClinVar aggregate classification (germline): Uncertain significance (1 of 4 stars; one submission).

Conditions:
Hereditary cancer-predisposing syndrome. Also called: Neoplastic Syndromes, Hereditary; Tumor predisposition; Hereditary Cancer Syndrome; Hereditary neoplastic syndrome. Identifiers: Orphanet 140162, MedGen C0027672, MeSH D009386, MONDO:0015356.

Submission:

Ambry Genetics
Classification: Uncertain significance for Hereditary cancer-predisposing syndrome. Last evaluated: 2021-08-05. Review status: criteria provided, single submitter. Criteria: Ambry Variant Classification Scheme 2023. Collection method: clinical testing. Allele origin: germline.
Comment: The p.N728T variant (also known as c.2183A>C), located in coding exon 15 of the APC gene, results from an A to C substitution at nucleotide position 2183. The asparagine at codon 728 is replaced by threonine, an amino acid with similar properties. This amino acid position is highly conserved in available vertebrate species. In addition, in silico predictors for this gene do not accurately predict pathogenicity. Since supporting evidence is limited at this time, the clinical significance of this alteration remains unclear.

NM_000038.6(APC):c.2183A>C (p.Asn728Thr)

Gene: APC (APC regulator of Wnt signaling pathway; plus strand). Cytogenetic location: 5q22.2.
Variant type: single nucleotide variant.
Coding change: c.2183A>C on transcript NM_000038.6 (MANE Select); coding-DNA position 2183, A replaced by C.
Protein change: p.Asn728Thr; replaces asparagine 728 with threonine.
Molecular consequence: missense variant.
Genome position (GRCh38, 1-based): chr5:112,837,777, A>C. VCF-style: chr5-112837777-A-C. GRCh37 (hg19) VCF-style: chr5-112173474-A-C.
Other names: c.2183A>C, p.Asn728Thr (NM_001127510.3, NM_001354895.2, NM_001407450.1); c.2129A>C, p.Asn710Thr (NM_001127511.3); c.2237A>C, p.Asn746Thr (NM_001354896.2, NM_001407447.1, NM_001407448.1 and 1 more transcripts); c.2213A>C, p.Asn738Thr (NM_001354897.2); c.2108A>C, p.Asn703Thr (NM_001354898.2); c.2099A>C, p.Asn700Thr (NM_001354899.2); c.2060A>C, p.Asn687Thr (NM_001354900.2); c.2006A>C, p.Asn669Thr (NM_001354901.2, NM_001407453.1); and 11 more; short protein forms N627T, N645T, N687T, N728T, N344T, N445T, N669T, N738T.
Identifiers: ClinVar variation 1787291 (VCV001787291.2), dbSNP rs1765120944, ClinGen allele CA16026112.